The following is an entry in ClinVar:

NM_001103.4(ACTN2):c.1905C>A (p.Asn635Lys)

Gene: ACTN2 (actinin alpha 2; plus strand). Cytogenetic location: 1q43.
Variant type: single nucleotide variant.
Coding change: c.1905C>A on transcript NM_001103.4 (MANE Select); coding-DNA position 1905, C replaced by A.
Protein change: p.Asn635Lys; replaces asparagine 635 with lysine.
Molecular consequence: missense variant.
Genome position (GRCh38, 1-based): chr1:236,754,012, C>A. VCF-style: chr1-236754012-C-A. GRCh37 (hg19) VCF-style: chr1-236917312-C-A.
Other names: c.1905C>A, p.Asn635Lys (NM_001278343.2); c.1281C>A, p.Asn427Lys (NM_001278344.2); short protein forms N635K, N427K.
Identifiers: ClinVar variation 576285 (VCV000576285.9), dbSNP rs772586220, ClinGen allele CA345386842.

ClinVar aggregate classification (germline): Uncertain significance (1 of 4 stars; one submission).

Conditions:
Primary familial hypertrophic cardiomyopathy (HCM). Identifiers: Orphanet 99739, MedGen C0949658, MeSH D024741, MONDO:0024573. Inheritance: Various modes of inheritance.
Dilated cardiomyopathy 1AA (CMD1AA). Also called: CARDIOMYOPATHY, DILATED, 1AA, WITH OR WITHOUT LEFT VENTRICULAR NONCOMPACTION; CARDIOMYOPATHY, FAMILIAL HYPERTROPHIC, 23, WITH OR WITHOUT LEFT VENTRICULAR NONCOMPACTION; Cardiomyopathy, dilated, 1AA, with or without LVNC. Identifiers: Orphanet 154, MedGen C2677338, MONDO:0012808, OMIM 612158.

Submission:

Labcorp Genetics (formerly Invitae), Labcorp
Classification: Uncertain significance for Primary familial hypertrophic cardiomyopathy; Dilated cardiomyopathy 1AA. Last evaluated: 2022-10-13. Review status: criteria provided, single submitter. Criteria: Invitae Variant Classification Sherloc (09022015). Collection method: clinical testing. Allele origin: germline.
Comment: This variant is not present in population databases (gnomAD no frequency). This sequence change replaces asparagine, which is neutral and polar, with lysine, which is basic and polar, at codon 635 of the ACTN2 protein (p.Asn635Lys). In summary, the available evidence is currently insufficient to determine the role of this variant in disease. Therefore, it has been classified as a Variant of Uncertain Significance. Advanced modeling of protein sequence and biophysical properties (such as structural, functional, and spatial information, amino acid conservation, physicochemical variation, residue mobility, and thermodynamic stability) performed at Invitae indicates that this missense variant is not expected to disrupt ACTN2 protein function. ClinVar contains an entry for this variant (Variation ID: 576285). This variant has not been reported in the literature in individuals affected with ACTN2-related conditions.